The following is an entry in ClinVar:

ClinVar aggregate classification (germline): Uncertain significance (1 of 4 stars; one submission).

Conditions:
Pigmented nodular adrenocortical disease, primary, 2 (PPNAD2). Also called: CUSHING SYNDROME, ADRENAL, DUE TO PPNAD2; PIGMENTED MICRONODULAR ADRENOCORTICAL DISEASE, PRIMARY, 2. Identifiers: Orphanet 189439, MedGen C1864851, MONDO:0012505, OMIM 610475.

Submission:

Juno Genomics, Hangzhou Juno Genomics, Inc
Classification: Uncertain significance for Pigmented nodular adrenocortical disease, primary, 2. Review status: criteria provided, single submitter. Criteria: ACMG Guidelines, 2015. Collection method: clinical testing. Allele origin: germline.
Comment: Absent from controls (or at extremely low frequency if recessive) in Genome Aggregation Database.;Multiple lines of computational evidence support a deleterious effect on the gene or gene product.

NM_016953.4(PDE11A):c.2030T>C (p.Phe677Ser)

Gene: PDE11A (phosphodiesterase 11A; minus strand). Cytogenetic location: 2q31.2.
Variant type: single nucleotide variant.
Coding change: c.2030T>C on transcript NM_016953.4 (MANE Select); coding-DNA position 2030, T replaced by C.
Protein change: p.Phe677Ser; replaces phenylalanine 677 with serine.
Molecular consequence: missense variant.
Genome position (GRCh38, 1-based): chr2:177,727,671, A>G on the plus strand (T>C on the coding strand, the complement: PDE11A is on the minus strand). VCF-style: chr2-177727671-A-G. GRCh37 (hg19) VCF-style: chr2-178592399-A-G.
Other names: c.698T>C, p.Phe233Ser (NM_001077196.2); c.1280T>C, p.Phe427Ser (NM_001077197.2); c.956T>C, p.Phe319Ser (NM_001077358.2); short protein forms F319S, F677S, F233S, F427S.
Identifiers: ClinVar variation 5006133 (VCV005006133.2).